The following is an entry in ClinVar:

NM_000929.3(PLA2G5):c.86T>C (p.Ile29Thr)

Gene: PLA2G5 (phospholipase A2 group V; plus strand). Cytogenetic location: 1p36.13.
Variant type: single nucleotide variant.
Coding change: c.86T>C on transcript NM_000929.3 (MANE Select); coding-DNA position 86, T replaced by C.
Protein change: p.Ile29Thr; replaces isoleucine 29 with threonine.
Molecular consequence: missense variant.
Genome position (GRCh38, 1-based): chr1:20,086,128, T>C. VCF-style: chr1-20086128-T-C. GRCh37 (hg19) VCF-style: chr1-20412621-T-C.
Other names: short protein forms I29T.
Identifiers: ClinVar variation 1396508 (VCV001396508.6), dbSNP rs2100624025, ClinGen allele CA338819548.

ClinVar aggregate classification (germline): Uncertain significance (1 of 4 stars; one submission).

Allele frequency attached by ClinVar (database versions not stated): gnomAD exomes below 0.00001.
gnomAD v4.1: 2 of 1,614,020 alleles (0.00012%); highest among the groups gnomAD compares: Non-Finnish European, 0.00017%; no homozygotes.

Submission:

Labcorp Genetics (formerly Invitae), Labcorp
Classification: Uncertain significance. Last evaluated: 2021-12-07. Review status: criteria provided, single submitter. Criteria: Invitae Variant Classification Sherloc (09022015). Collection method: clinical testing. Allele origin: germline.
Comment: Algorithms developed to predict the effect of missense changes on protein structure and function are either unavailable or do not agree on the potential impact of this missense change (SIFT: "Deleterious"; PolyPhen-2: "Probably Damaging"; Align-GVGD: "Class C0"). In summary, the available evidence is currently insufficient to determine the role of this variant in disease. Therefore, it has been classified as a Variant of Uncertain Significance. This variant has not been reported in the literature in individuals affected with PLA2G5-related conditions. This variant is not present in population databases (gnomAD no frequency). This sequence change replaces isoleucine, which is neutral and non-polar, with threonine, which is neutral and polar, at codon 29 of the PLA2G5 protein (p.Ile29Thr).